The following is an entry in ClinVar:

NM_016151.4(TAOK2):c.2170C>T (p.Arg724Cys)

Gene: TAOK2 (TAO kinase 2; plus strand). Cytogenetic location: 16p11.2.
Variant type: single nucleotide variant.
Coding change: c.2170C>T on transcript NM_016151.4 (MANE Select); coding-DNA position 2170, C replaced by T.
Protein change: p.Arg724Cys; replaces arginine 724 with cysteine.
Molecular consequence: missense variant.
Genome position (GRCh38, 1-based): chr16:29,986,442, C>T. VCF-style: chr16-29986442-C-T. GRCh37 (hg19) VCF-style: chr16-29997763-C-T.
Other names: c.2170C>T, p.Arg724Cys (NM_001252043.2, NM_004783.4); short protein forms R724C.
Identifiers: ClinVar variation 1956443 (VCV001956443.5), dbSNP rs756682464, ClinGen allele CA280398500.

ClinVar aggregate classification (germline): Uncertain significance (1 of 4 stars; one submission).

Allele frequency attached by ClinVar (database versions not stated): gnomAD 0.00002; TOPMed 0.00002.
gnomAD v4.1: 19 of 1,608,232 alleles (0.0012%); highest among the groups gnomAD compares: Non-Finnish European, 0.0016%; no homozygotes.

Submission:

Labcorp Genetics (formerly Invitae), Labcorp
Classification: Uncertain significance. Last evaluated: 2023-05-17. Review status: criteria provided, single submitter. Criteria: Invitae Variant Classification Sherloc (09022015). Collection method: clinical testing. Allele origin: germline.
Comment: In summary, the available evidence is currently insufficient to determine the role of this variant in disease. Therefore, it has been classified as a Variant of Uncertain Significance. An algorithm developed to predict the effect of missense changes on protein structure and function (PolyPhen-2) suggests that this variant is likely to be disruptive. ClinVar contains an entry for this variant (Variation ID: 1956443). This variant has not been reported in the literature in individuals affected with TAOK2-related conditions. This variant is present in population databases (no rsID available, gnomAD 0.002%). This sequence change replaces arginine, which is basic and polar, with cysteine, which is neutral and slightly polar, at codon 724 of the TAOK2 protein (p.Arg724Cys).